The following is an entry in ClinVar:

ClinVar aggregate classification (germline): Uncertain significance. Review status: criteria provided, multiple submitters, no conflicts (2 of 4 stars). 2 submissions from 2 submitters: Uncertain significance (2). Last evaluated 2026-06-17.

Conditions:
Glanzmann thrombasthenia. Also called: PLATELET GLYCOPROTEIN IIb-IIIa DEFICIENCY; Thrombasthenia; Glanzmann's thrombasthenia; THROMBASTHENIA OF GLANZMANN AND NAEGELI. Identifiers: Orphanet 849, MedGen C0040015, MONDO:0100326.

gnomAD v4.1: 43 of 1,614,050 alleles (0.0027%); highest among the groups gnomAD compares: East Asian, 0.071%; no homozygotes.

Submissions (2):

Women's Health and Genetics/Laboratory Corporation of America, LabCorp
Classification: Uncertain significance. Last evaluated: 2026-06-17. Review status: criteria provided, single submitter. Criteria: LabCorp Variant Classification Summary - May 2015. Collection method: clinical testing. Allele origin: germline.
Comment: Variant summary: ITGA2B c.1401C>G (p.Ile467Met) results in a conservative amino acid change in the encoded protein sequence. Algorithms developed to predict the effect of missense changes on protein structure and function are either unavailable or do not agree on the potential impact of this missense change. The variant allele was found at a frequency of 6e-05 in 251476 control chromosomes. This frequency is not significantly higher than estimated for disease-causing variants in ITGA2B, allowing no conclusion about variant significance. To our knowledge, no occurrence of c.1401C>G in individuals affected with ITGA2B-related conditions and no experimental evidence demonstrating its impact on protein function have been reported. ClinVar contains an entry for this variant (Variation ID: 3666003). Based on the evidence outlined above, the variant was classified as uncertain significance.

Labcorp Genetics (formerly Invitae), Labcorp
Classification: Uncertain significance for Glanzmann thrombasthenia. Last evaluated: 2024-02-24. Review status: criteria provided, single submitter. Criteria: Invitae Variant Classification Sherloc (09022015). Collection method: clinical testing. Allele origin: germline.
Comment: This sequence change replaces isoleucine, which is neutral and non-polar, with methionine, which is neutral and non-polar, at codon 467 of the ITGA2B protein (p.Ile467Met). This variant is present in population databases (rs766997708, gnomAD 0.07%). This variant has not been reported in the literature in individuals affected with ITGA2B-related conditions. Advanced modeling of protein sequence and biophysical properties (such as structural, functional, and spatial information, amino acid conservation, physicochemical variation, residue mobility, and thermodynamic stability) performed at Invitae indicates that this missense variant is not expected to disrupt ITGA2B protein function with a negative predictive value of 80%. In summary, the available evidence is currently insufficient to determine the role of this variant in disease. Therefore, it has been classified as a Variant of Uncertain Significance.

NM_000419.5(ITGA2B):c.1401C>G (p.Ile467Met)

Gene: ITGA2B (integrin subunit alpha 2b; minus strand). Cytogenetic location: 17q21.31.
Variant type: single nucleotide variant.
Coding change: c.1401C>G on transcript NM_000419.5 (MANE Select); coding-DNA position 1401, C replaced by G.
Protein change: p.Ile467Met; replaces isoleucine 467 with methionine.
Molecular consequence: missense variant.
Genome position (GRCh38, 1-based): chr17:44,380,638, G>C on the plus strand (C>G on the coding strand, the complement: ITGA2B is on the minus strand). VCF-style: chr17-44380638-G-C. GRCh37 (hg19) VCF-style: chr17-42458006-G-C.
Other names: short protein forms I467M.
Identifiers: ClinVar variation 3666003 (VCV003666003.3).
Genomic context (GRCh38, chr17:44,380,638, plus strand): 5'-CGCCCCTGGAGCCAGTGCTCACCTGTACACAGCCACCTGGTTGGCCCCGTAAGCTCCCAC[G>C]ATCAGGTCTATAGACATCGAGGAATGGGTCAGAATTGGCGATTAGGGCATGGGATCCTCA-3'
Protein context (NP_000410.2, residues 457-477): DIDDNGYPDL[Ile467Met]VGAYGANQVA